The following is an entry in ClinVar:

NM_001042750.2(STAG2):c.3029_3031delinsCAT (p.Leu1010_Leu1011delinsProPhe)

Gene: STAG2 (STAG2 cohesin complex component; plus strand). Cytogenetic location: Xq25.
Variant type: Indel.
Coding change: c.3029_3031delinsCAT on transcript NM_001042750.2 (MANE Select); coding-DNA positions 3029 to 3031, TAC replaced by CAT.
Protein change: p.Leu1010_Leu1011delinsProPhe.
Molecular consequence: missense variant.
Genome position (GRCh38, 1-based): chrX:124,083,525-124,083,527, TAC replaced by CAT. VCF-style: chrX-124083525-TAC-CAT. GRCh37 (hg19) VCF-style: chrX-123217375-TAC-CAT.
Other names: c.3029_3031delinsCAT, p.Leu1010_Leu1011delinsProPhe (NM_001375375.1, NM_001375376.1, NM_001375377.1 and 23 more transcripts).
Identifiers: ClinVar variation 4528125 (VCV004528125.1).
Genomic context (GRCh38, chrX:124,083,525, plus strand): 5'-AGAGCCATCCACCTTTAAATTTGGCATTTCTTGATATTCTGAGTGAATTTTCTTCTAAAC[TAC>CAT]TTCGACAAGACAAAAGAACAGTGTATGTATTTGCTGGAAATGTCCTATTTAATTTCATTT-3'

ClinVar aggregate classification (germline): Uncertain significance (1 of 4 stars; one submission).

Submission:

GeneDx
Classification: Uncertain significance. Last evaluated: 2025-05-03. Review status: criteria provided, single submitter. Criteria: GeneDx Variant Classification Process June 2021. Collection method: clinical testing. Allele origin: germline. Affected: yes.
Comment: Not observed at significant frequency in large population cohorts (gnomAD); In silico analysis suggests that this variant does not alter protein structure/function; Has not been previously published as pathogenic or benign to our knowledge